The following is an entry in ClinVar:

NM_181303.2(NLGN3):c.1036G>A (p.Val346Met)

Gene: NLGN3 (neuroligin 3; plus strand). Cytogenetic location: Xq13.1.
Variant type: single nucleotide variant.
Coding change: c.1036G>A on transcript NM_181303.2 (MANE Select); coding-DNA position 1036, G replaced by A.
Protein change: p.Val346Met; replaces valine 346 with methionine.
Molecular consequence: missense variant.
Genome position (GRCh38, 1-based): chrX:71,167,133, G>A. VCF-style: chrX-71167133-G-A. GRCh37 (hg19) VCF-style: chrX-70386983-G-A.
Other names: c.916G>A, p.Val306Met (NM_001166660.2); c.625G>A, p.Val209Met (NM_001321276.2); c.976G>A, p.Val326Met (NM_018977.4); short protein forms V209M, V306M, V326M, V346M.
Identifiers: ClinVar variation 1768141 (VCV001768141.3), dbSNP rs779828468, ClinGen allele CA413559321.

ClinVar aggregate classification (germline): Uncertain significance. Review status: criteria provided, multiple submitters, no conflicts (2 of 4 stars). 2 submissions from 2 submitters: Uncertain significance (2). Last evaluated 2023-01-26.

Conditions:
Inborn genetic diseases. Identifiers: MedGen C0950123, MeSH D030342.

Allele frequency attached by ClinVar (database versions not stated): gnomAD exomes below 0.00001; TOPMed below 0.00001; gnomAD 0.00001.

Submissions (2):

Blueprint Genetics
Classification: Uncertain significance. Last evaluated: 2023-01-26. Review status: criteria provided, single submitter. Criteria: ACMG Guidelines, 2015. Collection method: clinical testing. Allele origin: germline.

Ambry Genetics
Classification: Uncertain significance for Inborn genetic diseases. Last evaluated: 2018-02-01. Review status: criteria provided, single submitter. Criteria: Ambry Variant Classification Scheme 2023. Collection method: clinical testing. Allele origin: germline.
Comment: The p.V326M variant (also known as c.976G>A), located in coding exon 5 of the NLGN3 gene, results from a G to A substitution at nucleotide position 976. The valine at codon 326 is replaced by methionine, an amino acid with highly similar properties. This amino acid position is well conserved in available vertebrate species. In addition, this alteration is predicted to be tolerated by in silico analysis. Since supporting evidence is limited at this time, the clinical significance of this alteration remains unclear.

Literature cited by the submitters: PubMed 23849776 (cited by Ambry Genetics).